The following is an entry in ClinVar:

ClinVar aggregate classification (germline): Uncertain significance. Review status: criteria provided, multiple submitters, no conflicts (2 of 4 stars). 2 submissions from 2 submitters: Uncertain significance (2). Last evaluated 2026-08-05.

Conditions:
RFX6-related disorder. Also called: RFX6-related condition.
Inborn genetic diseases. Identifiers: MedGen C0950123, MeSH D030342.

Allele frequency attached by ClinVar (database versions not stated): gnomAD 0.00002; TOPMed 0.00004.
gnomAD v4.1: 12 of 1,614,058 alleles (0.00074%); highest among the groups gnomAD compares: Admixed American, 0.018%; no homozygotes.

Submissions (2):

PreventionGenetics, part of Exact Sciences
Classification: Uncertain significance for RFX6-related condition. Last evaluated: 2026-08-05. Review status: criteria provided, single submitter. Criteria: ACMG Guidelines, 2015. Collection method: clinical testing. Allele origin: germline.
Comment: The RFX6 c.2186C>T variant is predicted to result in the amino acid substitution p.Ala729Val. To our knowledge, this variant has not been reported in the literature. This variant is reported in 0.028% of alleles in individuals of Latino descent in gnomAD. At this time, the clinical significance of this variant is uncertain due to the absence of conclusive functional and genetic evidence.

Ambry Genetics
Classification: Uncertain significance for Inborn genetic diseases. Last evaluated: 2023-12-20. Review status: criteria provided, single submitter. Criteria: Ambry Variant Classification Scheme 2023. Collection method: clinical testing. Allele origin: germline.

NM_173560.4(RFX6):c.2186C>T (p.Ala729Val)

Gene: RFX6 (regulatory factor X6; plus strand). Cytogenetic location: 6q22.1.
Variant type: single nucleotide variant.
Coding change: c.2186C>T on transcript NM_173560.4 (MANE Select); coding-DNA position 2186, C replaced by T.
Protein change: p.Ala729Val; replaces alanine 729 with valine.
Molecular consequence: missense variant.
Genome position (GRCh38, 1-based): chr6:116,927,327, C>T. VCF-style: chr6-116927327-C-T. GRCh37 (hg19) VCF-style: chr6-117248490-C-T.
Other names: short protein forms A729V.
Identifiers: ClinVar variation 3153494 (VCV003153494.2), dbSNP rs771537572, ClinGen allele CA3973493.